The following is an entry in ClinVar:

ClinVar aggregate classification (germline): Uncertain significance. Review status: criteria provided, multiple submitters, no conflicts (2 of 4 stars). 2 submissions from 2 submitters: Uncertain significance (2). Last evaluated 2023-06-29.

Conditions:
Brown-Vialetto-van Laere syndrome 2. Also called: SPINOCEREBELLAR ATAXIA WITH BLINDNESS AND DEAFNESS 2; Riboflavin transporter deficiency type 2. Identifiers: Orphanet 572543, Orphanet 97229, MedGen C3553538, MONDO:0013867, OMIM 614707.
Inborn genetic diseases. Identifiers: MedGen C0950123, MeSH D030342.

Allele frequency attached by ClinVar (database versions not stated): gnomAD exomes below 0.00001.
gnomAD v4.1: 3 of 1,612,934 alleles (0.00019%); highest among the groups gnomAD compares: East Asian, 0.0067%; no homozygotes.

Submissions (2):

Ambry Genetics
Classification: Uncertain significance for Inborn genetic diseases. Last evaluated: 2023-06-29. Review status: criteria provided, single submitter. Criteria: Ambry Variant Classification Scheme 2023. Collection method: clinical testing. Allele origin: germline.

Labcorp Genetics (formerly Invitae), Labcorp
Classification: Uncertain significance for Brown-Vialetto-van Laere syndrome 2. Last evaluated: 2022-11-01. Review status: criteria provided, single submitter. Criteria: Invitae Variant Classification Sherloc (09022015). Collection method: clinical testing. Allele origin: germline.
Comment: In summary, the available evidence is currently insufficient to determine the role of this variant in disease. Therefore, it has been classified as a Variant of Uncertain Significance. Advanced modeling of protein sequence and biophysical properties (such as structural, functional, and spatial information, amino acid conservation, physicochemical variation, residue mobility, and thermodynamic stability) performed at Invitae indicates that this missense variant is not expected to disrupt SLC52A2 protein function. This variant has not been reported in the literature in individuals affected with SLC52A2-related conditions. This variant is present in population databases (no rsID available, gnomAD 0.01%). This sequence change replaces proline, which is neutral and non-polar, with serine, which is neutral and polar, at codon 184 of the SLC52A2 protein (p.Pro184Ser).

NM_001363118.2(SLC52A2):c.550C>T (p.Pro184Ser)

Gene: SLC52A2 (solute carrier family 52 member 2; plus strand). Cytogenetic location: 8q24.3.
Variant type: single nucleotide variant.
Coding change: c.550C>T on transcript NM_001363118.2 (MANE Select); coding-DNA position 550, C replaced by T.
Protein change: p.Pro184Ser; replaces proline 184 with serine.
Molecular consequence: missense variant. On other transcripts: non-coding transcript variant (1), intron variant (1).
Genome position (GRCh38, 1-based): chr8:144,360,042, C>T. VCF-style: chr8-144360042-C-T. GRCh37 (hg19) VCF-style: chr8-145583702-C-T.
Other names: c.550C>T, p.Pro184Ser (NM_001253815.2, NM_001253816.2, NM_001363120.2 and 2 more transcripts); c.550C>T (NM_024531.3); c.286C>T, p.Pro96Ser (NM_001410949.1); c.131-73C>T (NM_001363122.2); short protein forms P184S, P96S.
Identifiers: ClinVar variation 2153285 (VCV002153285.6), dbSNP rs1554854045, ClinGen allele CA372627381.